The following is an entry in ClinVar:

NM_001089.3(ABCA3):c.2268C>T (p.Ala756=)

Gene: ABCA3 (ATP binding cassette subfamily A member 3; minus strand). Cytogenetic location: 16p13.3.
Variant type: single nucleotide variant.
Coding change: c.2268C>T on transcript NM_001089.3 (MANE Select); coding-DNA position 2268, C replaced by T.
Protein change: p.Ala756=; no amino-acid change (alanine 756 retained).
Molecular consequence: synonymous variant.
Genome position (GRCh38, 1-based): chr16:2,295,736, G>A on the plus strand (C>T on the coding strand, the complement: ABCA3 is on the minus strand). VCF-style: chr16-2295736-G-A. GRCh37 (hg19) VCF-style: chr16-2345737-G-A.
Identifiers: ClinVar variation 318493 (VCV000318493.42), dbSNP rs143552557, ClinGen allele CA7840888.
Genomic context (GRCh38, chr16:2,295,736, plus strand): 5'-CAGCTGGGAGATGTCTTCCGGGTTGCAGTGCGGCTCCTTCACCAGCGTCATGTGATAGCC[G>A]GCACCTGGAATACAGGGCCACGTGTGAGATCTTTGGCTGATCCCCCAGGTCTCTTCATGC-3'
Protein context (NP_001080.2, residues 746-766): SSLFLKQKYG[Ala756=]GYHMTLVKEP

ClinVar aggregate classification (germline): Conflicting classifications of pathogenicity. Review status: criteria provided, conflicting classifications (1 of 4 stars). 6 submissions from 6 submitters: Uncertain significance (1); Benign (1); Likely benign (4). Last evaluated 2026-01-28.

Conditions:
Hereditary pulmonary alveolar proteinosis. Also called: Pulmonary surfactant metabolism dysfunction. Identifiers: Orphanet 264675, MedGen C3711368, MONDO:0012580.
Interstitial lung disease due to ABCA3 deficiency. Also called: PULMONARY ALVEOLAR PROTEINOSIS, CONGENITAL, 3. Identifiers: Orphanet 440402, MedGen C1970456, MONDO:0012582, OMIM 610921.

Allele frequency attached by ClinVar (database versions not stated): 1000 Genomes Project 0.00060; 1000 Genomes Project 30x 0.00078; gnomAD exomes 0.00142 and 0.00176; ESP Exome Variant Server 0.00154; gnomAD 0.00157 and 0.00160; ExAC 0.00163; TOPMed 0.00173.
gnomAD v4.1: 2,349 of 1,613,858 alleles (0.15%); highest among the groups gnomAD compares: Middle Eastern, 0.74%; 3 homozygotes.

Submissions (6):

Labcorp Genetics (formerly Invitae), Labcorp
Classification: Benign. Last evaluated: 2026-01-28. Review status: criteria provided, single submitter. Criteria: Invitae Variant Classification Sherloc (09022015). Collection method: clinical testing. Allele origin: germline.

CeGaT Center for Human Genetics Tuebingen
Classification: Likely benign. Last evaluated: 2025-06-01. Review status: criteria provided, single submitter. Criteria: CeGaT Center For Human Genetics Tuebingen Variant Classification Criteria Version 2. Collection method: clinical testing. Allele origin: germline. Affected: yes. Observed: 2 variant alleles.
Comment: ABCA3: BP4, BP7

Blueprint Genetics
Classification: Likely benign. Last evaluated: 2024-11-20. Review status: criteria provided, single submitter. Criteria: ACMG Guidelines, 2015. Collection method: clinical testing. Allele origin: germline.

Johns Hopkins Genomics, Johns Hopkins University
Classification: Likely benign for Interstitial lung disease due to ABCA3 deficiency. Last evaluated: 2020-02-13. Review status: criteria provided, single submitter. Criteria: ACMG Guidelines, 2015. Collection method: clinical testing. Allele origin: germline.

Illumina Laboratory Services, Illumina
Classification: Uncertain significance for Interstitial lung disease due to ABCA3 deficiency. Last evaluated: 2018-01-13. Review status: criteria provided, single submitter. Criteria: ICSL Variant Classification Criteria 13 December 2019. Collection method: clinical testing. Allele origin: germline.

Ambry Genetics
Classification: Likely benign for Hereditary pulmonary alveolar proteinosis. Last evaluated: 2016-02-09. Review status: criteria provided, single submitter. Criteria: Ambry Variant Classification Scheme 2023. Collection method: clinical testing. Allele origin: germline.